The following is an entry in ClinVar:

NM_006514.4(SCN10A):c.1868-36T>G

Gene: SCN10A (sodium voltage-gated channel alpha subunit 10; minus strand). Cytogenetic location: 3p22.2.
Variant type: single nucleotide variant.
Coding change: c.1868-36T>G on transcript NM_006514.4 (MANE Select); 36 bases into the intron before coding-DNA position 1868, T replaced by G.
Molecular consequence: intron variant.
Genome position (GRCh38, 1-based): chr3:38,742,565, A>C on the plus strand (T>G on the coding strand, the complement: SCN10A is on the minus strand). VCF-style: chr3-38742565-A-C. GRCh37 (hg19) VCF-style: chr3-38784056-A-C.
Other names: c.1574-36T>G (NM_001293307.2); c.1868-36T>G (NM_001293306.2).
Identifiers: ClinVar variation 674523 (VCV000674523.2), dbSNP rs7618620, ClinGen allele CA2320705.

ClinVar aggregate classification (germline): Benign. Review status: criteria provided, multiple submitters, no conflicts (2 of 4 stars). 2 submissions from 2 submitters: Benign (2). Last evaluated 2018-06-14.

Allele frequency attached by ClinVar (database versions not stated): gnomAD 0.08643; ESP Exome Variant Server 0.09257; TOPMed 0.10325; 1000 Genomes Project 30x 0.13538; 1000 Genomes Project 0.13798.
gnomAD v4.1: 79,558 of 1,551,272 alleles (5.1%); highest among the groups gnomAD compares: African/African-American, 21%; 4,240 homozygotes.

Submissions (2):

GeneDx
Classification: Benign. Last evaluated: 2018-06-14. Review status: criteria provided, single submitter. Criteria: GeneDx Variant Classification (06012015). Collection method: clinical testing. Allele origin: germline. Affected: yes.
Comment: This variant is considered likely benign or benign based on one or more of the following criteria: it is a conservative change, it occurs at a poorly conserved position in the protein, it is predicted to be benign by multiple in silico algorithms, and/or has population frequency not consistent with disease.

Breakthrough Genomics
Classification: Benign. Review status: criteria provided, single submitter. Criteria: ACMG Guidelines, 2015. Collection method: not provided. Allele origin: germline. Inheritance: Autosomal dominant inheritance. Affected: yes.